The following is an entry in ClinVar:

NM_001365999.1(SZT2):c.5500_5515del (p.Leu1834fs)

Gene: SZT2 (SZT2 subunit of KICSTOR complex; plus strand). Cytogenetic location: 1p34.2.
Variant type: Deletion.
Coding change: c.5500_5515del on transcript NM_001365999.1 (MANE Select); coding-DNA positions 5500 to 5515, 16 bases deleted (CTCATCAGCCTGCCCC).
Protein change: p.Leu1834fs; shifts the reading frame from leucine 1834.
Molecular consequence: frameshift variant.
Genome position (GRCh38, 1-based): chr1:43,432,574-43,432,589, CTCATCAGCCTGCCCC deleted; deleting any 16 consecutive bases within chr1:43,432,570-43,432,589 gives the same sequence; the c. name uses the placement nearest the transcript's 3' end. VCF-style (leftmost placement, unchanged base first): chr1-43432569-TCCCCCTCATCAGCCTG-T. GRCh37 (hg19) VCF-style: chr1-43898240-TCCCCCTCATCAGCCTG-T.
Other names: c.5329_5344del, p.Leu1777fs (NM_015284.4); short protein forms L1834fs, L1777fs.
Identifiers: ClinVar variation 4711963 (VCV004711963.1).
Genomic context (GRCh38, chr1:43,432,569, plus strand): 5'-TTCCTCAGACCCTGACAGCCAGCCCCCAAGCACCTGGGTCCCCAGAGGATTCTGAGGGTG[TCCCCCTCATCAGCCTG>T]CCCCGCGTGCCACAGGGAGGTAAGAGAGGACTTGGGCAGCAGTCTGGAGGCCAGGACCAG-3'

ClinVar aggregate classification (germline): Pathogenic (1 of 4 stars; one submission).

Submission:

Labcorp Genetics (formerly Invitae), Labcorp
Classification: Pathogenic. Last evaluated: 2025-01-28. Review status: criteria provided, single submitter. Criteria: Invitae Variant Classification Sherloc (09022015). Collection method: clinical testing. Allele origin: germline.
Comment: This sequence change creates a premature translational stop signal (p.Leu1777Alafs*15) in the SZT2 gene. It is expected to result in an absent or disrupted protein product. Loss-of-function variants in SZT2 are known to be pathogenic (PMID: 23932106, 27248490, 28556953). This variant is not present in population databases (gnomAD no frequency). This variant has not been reported in the literature in individuals affected with SZT2-related conditions. For these reasons, this variant has been classified as Pathogenic.

Literature cited by the submitters: PubMed 23932106; PubMed 27248490; PubMed 28556953.